The following is an entry in ClinVar:

ClinVar aggregate classification (germline): Conflicting classifications of pathogenicity. Review status: criteria provided, conflicting classifications (1 of 4 stars). 7 submissions from 7 submitters: Uncertain significance (3); Likely benign (3). 1 of the submissions does not count toward it. Last evaluated 2026-01-26.

Conditions:
Inborn genetic diseases. Identifiers: MedGen C0950123, MeSH D030342.
Fanconi anemia (FA). Also called: Fanconi's anemia. Identifiers: Orphanet 84, MedGen C0015625, MeSH D005199, MONDO:0019391.
Fanconi anemia complementation group A (FANCA). Also called: FANCA-Related Fanconi Anemia; Fanconi anemia, group A. Identifiers: Orphanet 84, MedGen C3469521, MONDO:0009215, OMIM 227650.

Allele frequency attached by ClinVar (database versions not stated): TOPMed 0.00024.
gnomAD v4.1: 86 of 1,614,036 alleles (0.0053%); highest among the groups gnomAD compares: African/African-American, 0.11%; no homozygotes.

Submissions (7):

Labcorp Genetics (formerly Invitae), Labcorp
Classification: Likely benign for Fanconi anemia. Last evaluated: 2026-01-26. Review status: criteria provided, single submitter. Criteria: Invitae Variant Classification Sherloc (09022015). Collection method: clinical testing. Allele origin: germline.

Ambry Genetics
Classification: Likely benign for Inborn genetic diseases. Last evaluated: 2024-11-20. Review status: criteria provided, single submitter. Criteria: Ambry Variant Classification Scheme 2023. Collection method: clinical testing. Allele origin: germline.

Fulgent Genetics
Classification: Uncertain significance for Fanconi anemia complementation group A. Last evaluated: 2024-05-31. Review status: criteria provided, single submitter. Criteria: ACMG Guidelines, 2015. Collection method: clinical testing. Allele origin: germline.

St. Jude Molecular Pathology, St. Jude Children's Research Hospital
Classification: Uncertain significance for Fanconi anemia complementation group A. Last evaluated: 2023-01-10. Review status: criteria provided, single submitter. Criteria: St. Jude Assertion Criteria 2020. Collection method: clinical testing. Allele origin: germline.
Comment: The FANCA c.3850G>C (p.Ala1284Pro)  change has a maximum subpopulation frequency of 0.14% in gnomAD v2.1.1. The in silico tool REVEL is inconclusive about a pathogenic or benign effect of this variant on protein function, and to our knowledge functional studies have not been performed. To our knowledge, this variant has not been reported in individuals with Fanconi anemia. In summary, the evidence currently available is insufficient to determine the clinical significance of this variant. It has therefore been classified as of uncertain significance.

Mayo Clinic Laboratories, Mayo Clinic
Classification: Uncertain significance. Last evaluated: 2022-12-13. Review status: criteria provided, single submitter. Criteria: ACMG Guidelines, 2015. Collection method: clinical testing. Allele origin: germline. Observed: 3 variant alleles.

Quest Diagnostics Nichols Institute San Juan Capistrano
Classification: Likely benign. Last evaluated: 2022-10-21. Review status: criteria provided, single submitter. Criteria: Quest Diagnostics criteria. Collection method: clinical testing. Allele origin: unknown.

Natera, Inc.
Classification: Uncertain significance for Fanconi anemia. Last evaluated: 2020-01-24. Review status: no assertion criteria provided. Collection method: clinical testing. Allele origin: germline. Not counted in ClinVar's aggregate classification.

NM_000135.4(FANCA):c.3850G>C (p.Ala1284Pro)

Genes: ZNF276 (zinc finger protein 276; plus strand), FANCA (FA complementation group A; minus strand). Cytogenetic location: 16q24.3.
Variant type: single nucleotide variant.
Coding change: c.3850G>C on transcript NM_000135.4 (MANE Select); coding-DNA position 3850, G replaced by C.
Protein change: p.Ala1284Pro; replaces alanine 1284 with proline.
Molecular consequence: missense variant. On other transcripts: 3 prime UTR variant (2), non-coding transcript variant (4).
Genome position (GRCh38, 1-based): chr16:89,740,078, C>G on the plus strand (G>C on the coding strand, the complement: FANCA is on the minus strand). VCF-style: chr16-89740078-C-G. GRCh37 (hg19) VCF-style: chr16-89806486-C-G.
Other names: c.3850G>C (NM_000135.3); c.3850G>C, p.Ala1284Pro (NM_001286167.3); c.*1832C>G (NM_001113525.2, NM_152287.4); short protein forms A1284P.
Identifiers: ClinVar variation 408204 (VCV000408204.22), dbSNP rs142919010, ClinGen allele CA8250923.